The following is an entry in ClinVar:

NM_000321.3(RB1):c.1695+1G>C

Gene: RB1 (RB transcriptional corepressor 1; plus strand). Cytogenetic location: 13q14.2.
Variant type: single nucleotide variant.
Coding change: c.1695+1G>C on transcript NM_000321.3 (MANE Select); the canonical splice donor site of the intron after coding-DNA position 1695, G replaced by C.
Molecular consequence: splice donor variant. On other transcripts: missense variant (1).
Genome position (GRCh38, 1-based): chr13:48,381,444, G>C. VCF-style: chr13-48381444-G-C. GRCh37 (hg19) VCF-style: chr13-48955580-G-C.
Other names: c.1696G>C, p.Val566Leu (NM_001407166.1); c.1695+1G>C (NM_001407165.1); short protein forms V566L.
Identifiers: ClinVar variation 3237019 (VCV003237019.1), dbSNP rs587778857.
Genomic context (GRCh38, chr13:48,381,444, plus strand): 5'-ATGATAAAACATTTAGAACGATGTGAACATCGAATCATGGAATCCCTTGCATGGCTCTCA[G>C]TAAGTAGCTAAATAATTGAAGAAATTCATTCATGTGCATATGGCTAACAAATTATTGTTA-3'

ClinVar aggregate classification (germline): Pathogenic (1 of 4 stars; one submission).

Conditions:
Retinoblastoma (RB1). Also called: RETINOBLASTOMA, SOMATIC. Identifiers: Orphanet 790, MedGen C0035335, MeSH D012175, MONDO:0008380, OMIM 180200, HP:0009919. Disease mechanism: loss of function. Inheritance: Both sporadic and heritable forms are tested..

Submission:

Genetic Diagnostic Laboratory, University of Pennsylvania School of Medicine
Classification: Pathogenic for Retinoblastoma. Last evaluated: 2024-05-20. Review status: criteria provided, single submitter. Criteria: ACMG Guidelines, 2015. Collection method: clinical testing. Allele origin: germline. Affected: yes. Observed: 2 variant alleles.
Comment: Case and Pedigree Information: BILATERAL CASES:2, UNILATERAL CASES:0, TOTAL CASES:2, PEDIGREES:2. ACMG Codes Applied:PVS1, PM2